The following is an entry in ClinVar:

ClinVar aggregate classification (germline): Pathogenic (1 of 4 stars; one submission).

Submission:

Labcorp Genetics (formerly Invitae), Labcorp
Classification: Pathogenic. Last evaluated: 2022-02-07. Review status: criteria provided, single submitter. Criteria: Invitae Variant Classification Sherloc (09022015). Collection method: clinical testing. Allele origin: germline.
Comment: For these reasons, this variant has been classified as Pathogenic. This variant disrupts the p.Asp78 amino acid residue in GFAP. Other variant(s) that disrupt this residue have been determined to be pathogenic (PMID: 12975300, 23743246). This suggests that this residue is clinically significant, and that variants that disrupt this residue are likely to be disease-causing. Algorithms developed to predict the effect of missense changes on protein structure and function (SIFT, PolyPhen-2, Align-GVGD) all suggest that this variant is likely to be disruptive. This missense change has been observed in individual(s) with Alexander disease (PMID: 26743065). In at least one individual the variant was observed to be de novo. This variant is not present in population databases (gnomAD no frequency). This sequence change replaces aspartic acid, which is acidic and polar, with tyrosine, which is neutral and polar, at codon 78 of the GFAP protein (p.Asp78Tyr).

Literature cited by the submitters: PubMed 12975300; PubMed 23743246; PubMed 26743065.

NM_002055.5(GFAP):c.232G>T (p.Asp78Tyr)

Gene: GFAP (glial fibrillary acidic protein; minus strand). Cytogenetic location: 17q21.31.
Variant type: single nucleotide variant.
Coding change: c.232G>T on transcript NM_002055.5 (MANE Select); coding-DNA position 232, G replaced by T.
Protein change: p.Asp78Tyr; replaces aspartic acid 78 with tyrosine.
Molecular consequence: missense variant.
Genome position (GRCh38, 1-based): chr17:44,915,255, C>A on the plus strand (G>T on the coding strand, the complement: GFAP is on the minus strand). VCF-style: chr17-44915255-C-A. GRCh37 (hg19) VCF-style: chr17-42992623-C-A.
Other names: c.232G>T, p.Asp78Tyr (NM_001131019.3, NM_001242376.3, NM_001363846.2); short protein forms D78Y.
Identifiers: ClinVar variation 2138058 (VCV002138058.4), dbSNP rs797044571, ClinGen allele CA399848697.